The following is an entry in ClinVar:

ClinVar aggregate classification (germline): Pathogenic (1 of 4 stars; one submission).

Conditions:
Duchenne muscular dystrophy (DMD). Also called: MUSCULAR DYSTROPHY, PSEUDOHYPERTROPHIC PROGRESSIVE, DUCHENNE TYPE; Duchenne Muscular Dystrophy (DMD). Identifiers: Orphanet 98896, MedGen C0013264, MONDO:0010679, OMIM 310200.

Submission:

Labcorp Genetics (formerly Invitae), Labcorp
Classification: Pathogenic for Duchenne muscular dystrophy. Last evaluated: 2018-07-26. Review status: criteria provided, single submitter. Criteria: Invitae Variant Classification Sherloc (09022015). Collection method: clinical testing. Allele origin: germline.
Comment: This variant is an in-frame deletion of the genomic region encompassing exons 51-52 of the DMD gene. It preserves the integrity of the reading frame. This variant has been reported in several individuals affected with Duchenne muscular dystrophy (PMID: 10480348, 17259292, 23914114). For these reasons, this variant has been classified as Pathogenic.

Literature cited by the submitters: PubMed 10480348; PubMed 17259292; PubMed 23914114.

NC_000023.11:g.(?_31729631)_(31774192_?)del

Gene: DMD (dystrophin; minus strand). Cytogenetic location: Xp21.1.
Variant type: Deletion.
Identifiers: ClinVar variation 649626 (VCV000649626.1).